The following is an entry in ClinVar:

NM_004006.3(DMD):c.6118-59_6118-58dup

Gene: DMD (dystrophin; minus strand). Cytogenetic location: Xp21.1.
Variant type: Duplication.
Coding change: c.6118-59_6118-58dup on transcript NM_004006.3 (MANE Select); 59 bases into the intron before coding-DNA position 6118 through 58 bases into the intron before coding-DNA position 6118, 2 bases duplicated (TT; older notation c.6118-59_6118-58dupTT).
Molecular consequence: intron variant.
Genome position (GRCh38, 1-based): chrX:32,287,759-32,287,760, AA duplicated on the plus strand (TT on the coding strand, the reverse complement: DMD is on the minus strand); duplicating any 2 consecutive bases within chrX:32,287,759-32,287,763 gives the same sequence; the c. name uses the placement nearest the transcript's 3' end. VCF-style (leftmost placement, unchanged base first): chrX-32287758-G-GAA. GRCh37 (hg19) VCF-style: chrX-32305875-G-GAA.
Other names: c.6094-59_6094-58dup (NM_000109.4); c.2095-59_2095-58dup (NM_004011.4); c.2086-59_2086-58dup (NM_004012.4); c.6106-59_6106-58dup (NM_004009.3); c.5749-59_5749-58dup (NM_004010.3); c.6118-58_6118-57insTT (NM_004006.2).
Identifiers: ClinVar variation 672524 (VCV000672524.1), dbSNP rs759994713, ClinGen allele CA328529833.

ClinVar aggregate classification (germline): Benign (1 of 4 stars; one submission).

Submission:

GeneDx
Classification: Benign. Last evaluated: 2018-06-14. Review status: criteria provided, single submitter. Criteria: GeneDx Variant Classification (06012015). Collection method: clinical testing. Allele origin: germline. Affected: yes.
Comment: This variant is considered likely benign or benign based on one or more of the following criteria: it is a conservative change, it occurs at a poorly conserved position in the protein, it is predicted to be benign by multiple in silico algorithms, and/or has population frequency not consistent with disease.